The following is an entry in ClinVar:

ClinVar aggregate classification (germline): Uncertain significance (1 of 4 stars; one submission).

Conditions:
Arrhythmogenic right ventricular dysplasia 12. Also called: ARRHYTHMOGENIC RIGHT VENTRICULAR DYSPLASIA, FAMILIAL, 12. Identifiers: MedGen C1969081, MONDO:0012684, OMIM 611528.
Naxos disease (NXD). Also called: KERATOSIS PALMOPLANTARIS WITH ARRHYTHMOGENIC CARDIOMYOPATHY; MAL DE NAXOS; PALMOPLANTAR KERATODERMA WITH ARRHYTHMOGENIC RIGHT VENTRICULAR CARDIOMYOPATHY AND WOOLLY HAIR; WOOLLY HAIR, PALMOPLANTAR KERATODERMA, AND CARDIAC ABNORMALITIES; CARDIOMYOPATHY, ARRHYTHMOGENIC RIGHT VENTRICULAR, WITH SKIN, HAIR, AND NAIL ABNORMALITIES. Identifiers: Orphanet 34217, MedGen C1832600, MONDO:0011017, OMIM 601214.

Allele frequency attached by ClinVar (database versions not stated): TOPMed below 0.00001.

Submission:

Labcorp Genetics (formerly Invitae), Labcorp
Classification: Uncertain significance for Arrhythmogenic right ventricular dysplasia 12; Naxos disease. Last evaluated: 2025-07-27. Review status: criteria provided, single submitter. Criteria: Invitae Variant Classification Sherloc (09022015). Collection method: clinical testing. Allele origin: germline.
Comment: This sequence change replaces leucine, which is neutral and non-polar, with phenylalanine, which is neutral and non-polar, at codon 733 of the JUP protein (p.Leu733Phe). This variant is not present in population databases (gnomAD no frequency). This variant has not been reported in the literature in individuals affected with JUP-related conditions. ClinVar contains an entry for this variant (Variation ID: 2936160). An algorithm developed to predict the effect of missense changes on protein structure and function (PolyPhen-2) suggests that this variant is likely to be tolerated. In summary, the available evidence is currently insufficient to determine the role of this variant in disease. Therefore, it has been classified as a Variant of Uncertain Significance.

NM_002230.4(JUP):c.2197C>T (p.Leu733Phe)

Gene: JUP (junction plakoglobin; minus strand). Cytogenetic location: 17q21.2.
Variant type: single nucleotide variant.
Coding change: c.2197C>T on transcript NM_002230.4 (MANE Select); coding-DNA position 2197, C replaced by T.
Protein change: p.Leu733Phe; replaces leucine 733 with phenylalanine.
Molecular consequence: missense variant.
Genome position (GRCh38, 1-based): chr17:41,755,785, G>A on the plus strand (C>T on the coding strand, the complement: JUP is on the minus strand). VCF-style: chr17-41755785-G-A. GRCh37 (hg19) VCF-style: chr17-39912037-G-A.
Other names: c.2197C>T, p.Leu733Phe (NM_001352773.2, NM_001352774.2, NM_001352775.2 and 3 more transcripts); short protein forms L733F.
Identifiers: ClinVar variation 2936160 (VCV002936160.3), dbSNP rs1913599900, ClinGen allele CA399490345.